The following is an entry in ClinVar:

ClinVar aggregate classification (germline): Benign. Review status: criteria provided, single submitter (1 of 4 stars). 2 submissions from 2 submitters: Benign (1). 1 of the submissions does not count toward it. Last evaluated 2018-07-09.

Conditions:
DPYD-related disorder. Also called: DPYD-related condition.

Allele frequency attached by ClinVar (database versions not stated): gnomAD exomes 0.11280; 1000 Genomes Project 0.11342; 1000 Genomes Project 30x 0.11415; TOPMed 0.12563; gnomAD 0.13296 and 0.13627.
gnomAD v4.1: 111,274 of 960,132 alleles (12%); highest among the groups gnomAD compares: African/African-American, 18%; 7,163 homozygotes.

Submissions (2):

GeneDx
Classification: Benign. Last evaluated: 2018-07-09. Review status: criteria provided, single submitter. Criteria: GeneDx Variant Classification Process June 2021. Collection method: clinical testing. Allele origin: germline. Affected: yes.

PreventionGenetics, part of Exact Sciences
Classification: Benign for DPYD-related condition. Last evaluated: 2023-10-25. Review status: no assertion criteria provided. Collection method: clinical testing. Allele origin: germline. Not counted in ClinVar's aggregate classification.
Comment: This variant is classified as benign based on ACMG/AMP sequence variant interpretation guidelines (Richards et al. 2015 PMID: 25741868, with internal and published modifications).

NM_000110.4(DPYD):c.680+139G>A

Gene: DPYD (dihydropyrimidine dehydrogenase; minus strand). Cytogenetic location: 1p21.3.
Variant type: single nucleotide variant.
Coding change: c.680+139G>A on transcript NM_000110.4 (MANE Select); 139 bases into the intron after coding-DNA position 680, G replaced by A.
Molecular consequence: intron variant.
Genome position (GRCh38, 1-based): chr1:97,699,212, C>T on the plus strand (G>A on the coding strand, the complement: DPYD is on the minus strand). VCF-style: chr1-97699212-C-T. GRCh37 (hg19) VCF-style: chr1-98164768-C-T.
Other names: c.680+139G>A (NM_000110.3).
Identifiers: ClinVar variation 1288056 (VCV001288056.3), dbSNP rs6668296, ClinGen allele CA27629917.